The following is an entry in ClinVar:

NM_006005.3(WFS1):c.2146G>A (p.Ala716Thr)

Gene: WFS1 (wolframin ER transmembrane glycoprotein; plus strand). Cytogenetic location: 4p16.1.
Variant type: single nucleotide variant.
Coding change: c.2146G>A on transcript NM_006005.3 (MANE Select); coding-DNA position 2146, G replaced by A.
Protein change: p.Ala716Thr; replaces alanine 716 with threonine.
Molecular consequence: missense variant.
Genome position (GRCh38, 1-based): chr4:6,301,941, G>A. VCF-style: chr4-6301941-G-A. GRCh37 (hg19) VCF-style: chr4-6303668-G-A.
Other names: WFS1, ALA716THR (rs28937893); c.2146G>A, p.Ala716Thr (NM_001145853.1); short protein forms A716T.
Identifiers: ClinVar variation 4520 (VCV000004520.34), dbSNP rs28937893, ClinGen allele CA253197.

ClinVar aggregate classification (germline): Pathogenic/Likely pathogenic. Review status: criteria provided, multiple submitters, no conflicts (2 of 4 stars). 10 submissions from 10 submitters: Pathogenic (6); Likely pathogenic (3). 1 of the submissions does not count toward it. Last evaluated 2026-01-24.

Conditions:
WFS1-related disorder. Identifiers: MedGen CN379391, MONDO:0700293.
Rare genetic deafness. Identifiers: Orphanet 96210, MedGen C5680250.
Monogenic hearing loss.
Wolfram syndrome 1 (WFS1). Identifiers: Orphanet 3463, MedGen C4551693, MONDO:0009101, OMIM 222300.
Autosomal dominant nonsyndromic hearing loss 6 (LFSNHL). Also called: DEAFNESS, AUTOSOMAL DOMINANT 6; Autosomal dominant nonsyndromic deafness 6; DEAFNESS, AUTOSOMAL DOMINANT 14; DEAFNESS, AUTOSOMAL DOMINANT 38. Identifiers: Orphanet 90635, MedGen C1833021, MONDO:0010963, OMIM 600965.

Allele frequency attached by ClinVar (database versions not stated): TOPMed below 0.00001; ExAC 0.00001.

Submissions (10):

Labcorp Genetics (formerly Invitae), Labcorp
Classification: Pathogenic. Last evaluated: 2026-01-24. Review status: criteria provided, single submitter. Criteria: Invitae Variant Classification Sherloc (09022015). Collection method: clinical testing. Allele origin: germline.
Comment: This sequence change replaces alanine, which is neutral and non-polar, with threonine, which is neutral and polar, at codon 716 of the WFS1 protein (p.Ala716Thr). This variant is present in population databases (rs28937893, gnomAD 0.003%). This missense change has been observed in individual(s) with autosomal dominant nonsyndromic deafness (PMID: 11709537, 11709538; internal data). It has also been observed to segregate with disease in related individuals. ClinVar contains an entry for this variant (Variation ID: 4520). Invitae Evidence Modeling of protein sequence and biophysical properties (such as structural, functional, and spatial information, amino acid conservation, physicochemical variation, residue mobility, and thermodynamic stability) has been performed for this missense variant. However, the output from this modeling did not meet the statistical confidence thresholds required to predict the impact of this variant on WFS1 protein function. For these reasons, this variant has been classified as Pathogenic.

3billion
Classification: Likely pathogenic for Wolfram syndrome 1. Last evaluated: 2025-12-16. Review status: criteria provided, single submitter. Criteria: ACMG Guidelines, 2015. Collection method: clinical testing. Allele origin: germline. Affected: yes.
Comment: The variant is observed at an extremely low frequency in the gnomAD v4.1.0 dataset (total allele frequency: <0.001%). Predicted Consequence/Location: Missense variant In silico tool predictions suggest damaging effect of the variant on gene or gene product [REVEL: 0.80 (>=0.6, sensitivity 0.68 and specificity 0.92); 3Cnet: 0.86 (> 0.75, sensitivity 0.96 and precision 0.92)]. The same nucleotide change resulting in the same amino acid change has been previously reported as pathogenic/likely pathogenic with strong evidence (ClinVar ID: VCV000004520 /PMID: 11709537). Therefore, this variant is classified as Likely pathogenic according to the recommendation of ACMG/AMP guideline.

North West Genomic Laboratory Hub, Manchester University NHS Foundation Trust
Classification: Pathogenic for Monogenic hearing loss. Last evaluated: 2025-08-15. Review status: criteria provided, single submitter. Criteria: ACGS Best Practice Guidelines for Variant Classification in Rare Disease 2024. Collection method: clinical testing. Allele origin: germline. Affected: yes.
Comment: PM2_Mod PS4_Mod PP1_Str PP4_Supp PP3_Supp

Genetics Laboratory, Great Ormond Street Hospital NHS Foundation Trust, North Thames Genomic Laboratory Hub
Classification: Pathogenic for Monogenic hearing loss. Last evaluated: 2025-08-04. Review status: criteria provided, single submitter. Criteria: ACGS Best Practice Guidelines for Variant Classification in Rare Disease 2024 v1.2. Collection method: clinical testing. Allele origin: germline. Affected: yes.
Comment: PS4_moderate, PM2_moderate, PP3_supporting, PP1_strong, PP4_supporting

GeneDx
Classification: Likely pathogenic. Last evaluated: 2025-03-12. Review status: criteria provided, single submitter. Criteria: GeneDx Variant Classification Process June 2021. Collection method: clinical testing. Allele origin: germline. Affected: yes.
Comment: In silico analysis indicates that this missense variant does not alter protein structure/function; This variant is associated with the following publications: (PMID: 11709537, 17492394, 11709538, 12490066, 12707188, 29529044, 36225977, 34599366, 36208030, 36098976, 38400873, 28432734, 29277467)

Blueprint Genetics
Classification: Pathogenic for WFS1-related disorders. Last evaluated: 2024-10-10. Review status: criteria provided, single submitter. Criteria: ACMG Guidelines, 2015. Collection method: clinical testing. Allele origin: germline. Affected: yes. Observed: 4 variant alleles.

CeGaT Center for Human Genetics Tuebingen
Classification: Likely pathogenic. Last evaluated: 2024-09-01. Review status: criteria provided, single submitter. Criteria: CeGaT Center For Human Genetics Tuebingen Variant Classification Criteria Version 2. Collection method: clinical testing. Allele origin: germline. Affected: yes. Observed: 1 variant allele.
Comment: WFS1: PP1:Strong, PM2, PS4:Moderate

Laboratory for Molecular Medicine, Mass General Brigham Personalized Medicine
Classification: Pathogenic for Rare genetic deafness. Last evaluated: 2016-08-16. Review status: criteria provided, single submitter. Criteria: LMM Criteria. Collection method: clinical testing. Allele origin: germline. Inheritance: Autosomal dominant inheritance. Observed: 4 variant alleles.
Comment: The p.Ala716Thr variant in WFS1 has been reported in six families with low frequ ency sensorineural hearing loss and was shown to segregate in >30 affected famil y members (Bespalova 2001, Young 2001, Fukuoka 2007, LMM Data). All individuals heterozygous for the p.Ala716Thr variant were reported to have only hearing loss , and one individual homozygous for the variant had clinical features of Wolfram syndrome (Young 2001). This variant has been identified in 1/30736 South Asian chromosomes by the Genome Aggregation Database (gnomAD; dbSNP rs28937893). In summary, this variant meets criteria to be clas sified as pathogenic for autosomal dominant hearing loss; however, its clinical significance for autosomal recessive Wolfram syndrome is uncertain. ACMG/AMP Cri teria applied: PP1_Strong; PM2; PS4_Moderate; PP3.

Clinical Genetics Service, Universitary Hospital 12 de Octubre
Classification: Pathogenic for Autosomal dominant nonsyndromic hearing loss 6. Review status: criteria provided, single submitter. Criteria: ACMG Guidelines, 2015. Collection method: clinical testing. Allele origin: germline. Affected: yes.

OMIM
Classification: Pathogenic for DEAFNESS, AUTOSOMAL DOMINANT 6. Last evaluated: 2007-01-01. Review status: no assertion criteria provided. Collection method: literature only. Allele origin: germline. Not counted in ClinVar's aggregate classification.

Literature cited by the submitters: PubMed 11709537 (cited by 3 submitters); PubMed 11709538 (cited by 3 submitters); PubMed 17492394 (cited by Laboratory for Molecular Medicine, Mass General Brigham Personalized Medicine and OMIM); PubMed 12490066 (cited by Laboratory for Molecular Medicine, Mass General Brigham Personalized Medicine).